The following is an entry in ClinVar:

ClinVar aggregate classification (germline): Benign/Likely benign. Review status: criteria provided, multiple submitters, no conflicts (2 of 4 stars). 2 submissions from 2 submitters: Benign (1); Likely benign (1). Last evaluated 2026-02-01.

Allele frequency attached by ClinVar (database versions not stated): gnomAD 0.00031 and 0.00046; TOPMed 0.00051; ExAC 0.00102; gnomAD exomes 0.00110; 1000 Genomes Project 0.00280; 1000 Genomes Project 30x 0.00297.
gnomAD v4.1: 453 of 1,607,796 alleles (0.028%); highest among the groups gnomAD compares: East Asian, 0.93%; 3 homozygotes.

Submissions (2):

Labcorp Genetics (formerly Invitae), Labcorp
Classification: Benign. Last evaluated: 2026-02-01. Review status: criteria provided, single submitter. Criteria: Invitae Variant Classification Sherloc (09022015). Collection method: clinical testing. Allele origin: germline.

GeneDx
Classification: Likely benign. Last evaluated: 2017-05-25. Review status: criteria provided, single submitter. Criteria: GeneDx Variant Classification (06012015). Collection method: clinical testing. Allele origin: germline. Affected: yes.
Comment: This variant is considered likely benign or benign based on one or more of the following criteria: it is a conservative change, it occurs at a poorly conserved position in the protein, it is predicted to be benign by multiple in silico algorithms, and/or has population frequency not consistent with disease.

NM_005005.3(NDUFB9):c.294+13T>C

Gene: NDUFB9 (NADH:ubiquinone oxidoreductase subunit B9; plus strand). Cytogenetic location: 8q24.13.
Variant type: single nucleotide variant.
Coding change: c.294+13T>C on transcript NM_005005.3 (MANE Select); 13 bases into the intron after coding-DNA position 294, T replaced by C.
Molecular consequence: intron variant.
Genome position (GRCh38, 1-based): chr8:124,543,292, T>C. VCF-style: chr8-124543292-T-C. GRCh37 (hg19) VCF-style: chr8-125555533-T-C.
Other names: c.165+13T>C (NM_001278646.2); c.261+13T>C (NM_001311168.2); c.126+13T>C (NM_001278645.2).
Identifiers: ClinVar variation 389622 (VCV000389622.9), dbSNP rs146951703, ClinGen allele CA4871509.